The following is an entry in ClinVar:

ClinVar aggregate classification (germline): Conflicting classifications of pathogenicity. Review status: criteria provided, conflicting classifications (1 of 4 stars). 5 submissions from 5 submitters: Uncertain significance (1); Benign (2); Likely benign (2). Last evaluated 2026-07-01.

Allele frequency attached by ClinVar (database versions not stated): 1000 Genomes Project 0.00040; 1000 Genomes Project 30x 0.00047; ExAC 0.00080; gnomAD exomes 0.00084 and 0.00182; TOPMed 0.00109; ESP Exome Variant Server 0.00117; gnomAD 0.00128 and 0.00133.
gnomAD v4.1: 2,790 of 1,612,948 alleles (0.17%); highest among the groups gnomAD compares: Non-Finnish European, 0.23%; 1 homozygote.

Submissions (5):

CeGaT Center for Human Genetics Tuebingen
Classification: Likely benign. Last evaluated: 2026-07-01. Review status: criteria provided, single submitter. Criteria: CeGaT Center For Human Genetics Tuebingen Variant Classification Criteria Version 2. Collection method: clinical testing. Allele origin: germline. Affected: yes. Observed: 3 variant alleles.
Comment: CHD8: BS1

Labcorp Genetics (formerly Invitae), Labcorp
Classification: Benign. Last evaluated: 2025-12-01. Review status: criteria provided, single submitter. Criteria: Invitae Variant Classification Sherloc (09022015). Collection method: clinical testing. Allele origin: germline.

Blueprint Genetics
Classification: Likely benign. Last evaluated: 2024-09-19. Review status: criteria provided, single submitter. Criteria: ACMG Guidelines, 2015. Collection method: clinical testing. Allele origin: germline.

GeneDx
Classification: Benign. Last evaluated: 2020-06-01. Review status: criteria provided, single submitter. Criteria: GeneDx Variant Classification Process June 2021. Collection method: clinical testing. Allele origin: germline. Affected: yes.

Eurofins Ntd Llc (ga)
Classification: Uncertain significance. Last evaluated: 2016-05-12. Review status: criteria provided, single submitter. Criteria: EGL Classification Definitions 2015. Collection method: clinical testing. Allele origin: germline. Observed: 2 variant alleles, 1 heterozygote, 1 homozygote.

NM_001170629.2(CHD8):c.5390+10A>T

Gene: CHD8 (chromodomain helicase DNA binding protein 8; minus strand). Cytogenetic location: 14q11.2.
Variant type: single nucleotide variant.
Coding change: c.5390+10A>T on transcript NM_001170629.2 (MANE Select); 10 bases into the intron after coding-DNA position 5390, A replaced by T.
Molecular consequence: intron variant.
Genome position (GRCh38, 1-based): chr14:21,394,902, T>A on the plus strand (A>T on the coding strand, the complement: CHD8 is on the minus strand). VCF-style: chr14-21394902-T-A. GRCh37 (hg19) VCF-style: chr14-21863061-T-A.
Other names: c.4553+10A>T (NM_020920.4).
Identifiers: ClinVar variation 196165 (VCV000196165.22), dbSNP rs181227407, ClinGen allele CA243035.